The following is an entry in ClinVar:

NM_000051.4(ATM):c.2181C>G (p.Gly727=)

Gene: ATM (ATM serine/threonine kinase; plus strand). Cytogenetic location: 11q22.3.
Variant type: single nucleotide variant.
Coding change: c.2181C>G on transcript NM_000051.4 (MANE Select); coding-DNA position 2181, C replaced by G.
Protein change: p.Gly727=; no amino-acid change (glycine 727 retained).
Molecular consequence: synonymous variant.
Genome position (GRCh38, 1-based): chr11:108,256,271, C>G. VCF-style: chr11-108256271-C-G. GRCh37 (hg19) VCF-style: chr11-108126998-C-G.
Other names: c.2181C>G, p.Gly727= (NM_001351834.2).
Identifiers: ClinVar variation 820855 (VCV000820855.15), dbSNP rs876658836, ClinGen allele CA476672520.

ClinVar aggregate classification (germline): Benign/Likely benign. Review status: criteria provided, multiple submitters, no conflicts (2 of 4 stars). 4 submissions from 4 submitters: Benign (1); Likely benign (3). Last evaluated 2026-01-25.

Conditions:
Hereditary cancer-predisposing syndrome. Also called: Hereditary Cancer Syndrome; Neoplastic Syndromes, Hereditary; Hereditary neoplastic syndrome; Tumor predisposition. Identifiers: Orphanet 140162, MedGen C0027672, MeSH D009386, MONDO:0015356.
Familial cancer of breast. Also called: Hereditary breast cancer; hereditary breast carcinoma; BREAST CANCER, FAMILIAL. Identifiers: Orphanet 227535, MedGen C0346153, MONDO:0016419, OMIM 114480. Disease mechanism: loss of function.
Ataxia-telangiectasia syndrome (AT). Also called: Cerebello-oculocutaneous telangiectasia; Immunodeficiency with ataxia telangiectasia; Ataxia-telangiectasia, complementation group E; Ataxia-telangiectasia, complementation group D; AT, COMPLEMENTATION GROUP C; ATAXIA-TELANGIECTASIA, COMPLEMENTATION GROUP A. Identifiers: Orphanet 100, MedGen C0004135, MONDO:0008840, OMIM 208900.

Submissions (4):

Labcorp Genetics (formerly Invitae), Labcorp
Classification: Likely benign for Ataxia-telangiectasia syndrome. Last evaluated: 2026-01-25. Review status: criteria provided, single submitter. Criteria: Invitae Variant Classification Sherloc (09022015). Collection method: clinical testing. Allele origin: germline.

Myriad Genetics, Inc.
Classification: Benign for Familial cancer of breast. Last evaluated: 2024-05-07. Review status: criteria provided, single submitter. Criteria: Myriad Autosomal Dominant, Autosomal Recessive and X-Linked Classification Criteria (2023). Collection method: clinical testing. Allele origin: unknown.
Comment: This variant is considered benign. This variant is a silent/synonymous amino acid change and it is not expected to impact splicing.

Women's Health and Genetics/Laboratory Corporation of America, LabCorp
Classification: Likely benign. Last evaluated: 2024-05-05. Review status: criteria provided, single submitter. Criteria: LabCorp Variant Classification Summary - May 2015. Collection method: clinical testing. Allele origin: germline.

Ambry Genetics
Classification: Likely benign for Hereditary cancer-predisposing syndrome. Last evaluated: 2019-04-01. Review status: criteria provided, single submitter. Criteria: Ambry Variant Classification Scheme 2023. Collection method: clinical testing. Allele origin: germline.